The following is an entry in ClinVar:

ClinVar aggregate classification (germline): Uncertain significance (1 of 4 stars; one submission).

Allele frequency attached by ClinVar (database versions not stated): TOPMed below 0.00001.

Submission:

GeneDx
Classification: Uncertain significance. Last evaluated: 2023-04-24. Review status: criteria provided, single submitter. Criteria: GeneDx Variant Classification Process June 2021. Collection method: clinical testing. Allele origin: germline. Affected: yes.
Comment: Not observed at significant frequency in large population cohorts (gnomAD); In silico analysis supports that this missense variant has a deleterious effect on protein structure/function; Has not been previously published as pathogenic or benign to our knowledge

NM_001242896.3(DEPDC5):c.3879G>C (p.Trp1293Cys)

Gene: DEPDC5 (DEP domain containing 5, GATOR1 subcomplex subunit; plus strand). Cytogenetic location: 22q12.3.
Variant type: single nucleotide variant.
Coding change: c.3879G>C on transcript NM_001242896.3 (MANE Select); coding-DNA position 3879, G replaced by C.
Protein change: p.Trp1293Cys; replaces tryptophan 1293 with cysteine.
Molecular consequence: missense variant. On other transcripts: non-coding transcript variant (5).
Genome position (GRCh38, 1-based): chr22:31,879,598, G>C. VCF-style: chr22-31879598-G-C. GRCh37 (hg19) VCF-style: chr22-32275584-G-C.
Other names: c.3852G>C, p.Trp1284Cys (NM_001136029.4); c.3579G>C, p.Trp1193Cys (NM_001242897.2); c.3813G>C, p.Trp1271Cys (NM_001363852.2, NM_001364320.2); c.3645G>C, p.Trp1215Cys (NM_001363854.2, NM_001364319.2); c.3879G>C, p.Trp1293Cys (NM_001364318.2); c.3795G>C, p.Trp1265Cys (NM_001369901.1, NM_001369902.1); c.3786G>C, p.Trp1262Cys (NM_001369903.1, NM_014662.6); short protein forms W1193C, W1215C, W1262C, W1265C, W1271C, W1284C, W1293C.
Identifiers: ClinVar variation 2663485 (VCV002663485.1), dbSNP rs2093120032, ClinGen allele CA411282075.